The following is an entry in ClinVar:

NM_000217.3(KCNA1):c.33G>C (p.Glu11Asp)

Genes: KCNA1 (potassium voltage-gated channel subfamily A member 1; plus strand), LOC130007218 (ATAC-STARR-seq lymphoblastoid silent region 4155; plus strand). Cytogenetic location: 12p13.32.
Variant type: single nucleotide variant.
Coding change: c.33G>C on transcript NM_000217.3 (MANE Select); coding-DNA position 33, G replaced by C.
Protein change: p.Glu11Asp; replaces glutamic acid 11 with aspartic acid.
Molecular consequence: missense variant.
Genome position (GRCh38, 1-based): chr12:4,911,411, G>C. VCF-style: chr12-4911411-G-C. GRCh37 (hg19) VCF-style: chr12-5020577-G-C.
Other names: short protein forms E11D.
Identifiers: ClinVar variation 4622480 (VCV004622480.2).

ClinVar aggregate classification (germline): Uncertain significance. Review status: criteria provided, multiple submitters, no conflicts (2 of 4 stars). 2 submissions from 2 submitters: Uncertain significance (2). Last evaluated 2025-10-02.

Conditions:
Episodic ataxia type 1 (EA1). Also called: PAROXYSMAL ATAXIA WITH NEUROMYOTONIA, HEREDITARY; Episodic ataxia/myokymia syndrome; ATAXIA, EPISODIC, WITH MYOKYMIA; MYOKYMIA WITH PERIODIC ATAXIA. Identifiers: Orphanet 37612, Orphanet 972, MedGen C1719788, MONDO:0008047, OMIM 160120.
Inborn genetic diseases. Identifiers: MedGen C0950123, MeSH D030342.

gnomAD v4.1: 1 of 1,613,140 alleles (0.000062%); no homozygotes.

Submissions (2):

Ambry Genetics
Classification: Uncertain significance for Inborn genetic diseases. Last evaluated: 2025-10-02. Review status: criteria provided, single submitter. Criteria: Ambry Variant Classification Scheme 2023. Collection method: clinical testing. Allele origin: germline.

Labcorp Genetics (formerly Invitae), Labcorp
Classification: Uncertain significance for Episodic ataxia type 1. Last evaluated: 2025-07-23. Review status: criteria provided, single submitter. Criteria: Invitae Variant Classification Sherloc (09022015). Collection method: clinical testing. Allele origin: germline.
Comment: This sequence change replaces glutamic acid, which is acidic and polar, with aspartic acid, which is acidic and polar, at codon 11 of the KCNA1 protein (p.Glu11Asp). This variant is not present in population databases (gnomAD no frequency). This variant has not been reported in the literature in individuals affected with KCNA1-related conditions. Invitae Evidence Modeling of protein sequence and biophysical properties (such as structural, functional, and spatial information, amino acid conservation, physicochemical variation, residue mobility, and thermodynamic stability) has been performed for this missense variant. However, the output from this modeling did not meet the statistical confidence thresholds required to predict the impact of this variant on KCNA1 protein function. In summary, the available evidence is currently insufficient to determine the role of this variant in disease. Therefore, it has been classified as a Variant of Uncertain Significance.